The following is an entry in ClinVar:

ClinVar aggregate classification (germline): Likely benign (0 of 4 stars; one submission).

Conditions:
PPRC1-related disorder. Also called: PPRC1-related condition.

Allele frequency attached by ClinVar (database versions not stated): gnomAD exomes below 0.00001; TOPMed below 0.00001; ExAC 0.00001.
gnomAD v4.1: 2 of 1,612,604 alleles (0.00012%); highest among the groups gnomAD compares: East Asian, 0.0022%; no homozygotes.

Submission:

PreventionGenetics, part of Exact Sciences
Classification: Likely benign for PPRC1-related condition. Last evaluated: 2019-02-18. Review status: no assertion criteria provided. Collection method: clinical testing. Allele origin: germline.
Comment: This variant is classified as likely benign based on ACMG/AMP sequence variant interpretation guidelines (Richards et al. 2015 PMID: 25741868, with internal and published modifications).

NM_015062.5(PPRC1):c.4437C>T (p.Cys1479=)

Gene: PPRC1 (PPARG related coactivator 1; plus strand). Cytogenetic location: 10q24.32.
Variant type: single nucleotide variant.
Coding change: c.4437C>T on transcript NM_015062.5 (MANE Select); coding-DNA position 4437, C replaced by T.
Protein change: p.Cys1479=; no amino-acid change (cysteine 1479 retained).
Molecular consequence: synonymous variant.
Genome position (GRCh38, 1-based): chr10:102,148,408, C>T. VCF-style: chr10-102148408-C-T. GRCh37 (hg19) VCF-style: chr10-103908165-C-T.
Other names: c.3645C>T, p.Cys1215= (NM_001288727.2); c.4077C>T, p.Cys1359= (NM_001288728.2).
Identifiers: ClinVar variation 3047772 (VCV003047772.2), dbSNP rs769451168, ClinGen allele CA5661553.